The following is an entry in ClinVar:

NM_178161.3(PTF1A):c.317C>A (p.Ala106Glu)

Gene: PTF1A (pancreas associated transcription factor 1a; plus strand). Cytogenetic location: 10p12.2.
Variant type: single nucleotide variant.
Coding change: c.317C>A on transcript NM_178161.3 (MANE Select); coding-DNA position 317, C replaced by A.
Protein change: p.Ala106Glu; replaces alanine 106 with glutamic acid.
Molecular consequence: missense variant.
Genome position (GRCh38, 1-based): chr10:23,192,847, C>A. VCF-style: chr10-23192847-C-A. GRCh37 (hg19) VCF-style: chr10-23481776-C-A.
Other names: short protein forms A106E.
Identifiers: ClinVar variation 1970856 (VCV001970856.5), dbSNP rs1456134685, ClinGen allele CA376262374.

ClinVar aggregate classification (germline): Uncertain significance (1 of 4 stars; one submission).

Allele frequency attached by ClinVar (database versions not stated): TOPMed below 0.00001; gnomAD 0.00001.
gnomAD v4.1: 2 of 1,307,614 alleles (0.00015%); highest among the groups gnomAD compares: East Asian, 0.0032%; no homozygotes.

Submission:

Labcorp Genetics (formerly Invitae), Labcorp
Classification: Uncertain significance. Last evaluated: 2022-03-01. Review status: criteria provided, single submitter. Criteria: Invitae Variant Classification Sherloc (09022015). Collection method: clinical testing. Allele origin: germline.
Comment: Algorithms developed to predict the effect of missense changes on protein structure and function are either unavailable or do not agree on the potential impact of this missense change (SIFT: "Deleterious"; PolyPhen-2: "Not Available"; Align-GVGD: "Class C0"). This sequence change replaces alanine, which is neutral and non-polar, with glutamic acid, which is acidic and polar, at codon 106 of the PTF1A protein (p.Ala106Glu). This variant is present in population databases (no rsID available, gnomAD 0.06%). This variant has not been reported in the literature in individuals affected with PTF1A-related conditions. In summary, the available evidence is currently insufficient to determine the role of this variant in disease. Therefore, it has been classified as a Variant of Uncertain Significance.